The following is an entry in ClinVar:

NM_004370.6(COL12A1):c.6108A>C (p.Glu2036Asp)

Gene: COL12A1 (collagen type XII alpha 1 chain; minus strand). Cytogenetic location: 6q13.
Variant type: single nucleotide variant.
Coding change: c.6108A>C on transcript NM_004370.6 (MANE Select); coding-DNA position 6108, A replaced by C.
Protein change: p.Glu2036Asp; replaces glutamic acid 2036 with aspartic acid.
Molecular consequence: missense variant.
Genome position (GRCh38, 1-based): chr6:75,130,193, T>G on the plus strand (A>C on the coding strand, the complement: COL12A1 is on the minus strand). VCF-style: chr6-75130193-T-G. GRCh37 (hg19) VCF-style: chr6-75839909-T-G.
Other names: c.6108A>C, p.Glu2036Asp (NM_001424113.1); c.6087A>C, p.Glu2029Asp (NM_001424114.1); c.5835A>C, p.Glu1945Asp (NM_001424115.1); c.2616A>C, p.Glu872Asp (NM_001424116.1, NM_080645.3); short protein forms E1945D, E872D, E2029D, E2036D.
Identifiers: ClinVar variation 2931613 (VCV002931613.4), dbSNP rs991352162, ClinGen allele CA140987041.

ClinVar aggregate classification (germline): Uncertain significance. Review status: criteria provided, multiple submitters, no conflicts (2 of 4 stars). 2 submissions from 2 submitters: Uncertain significance (2). Last evaluated 2024-12-11.

Conditions:
Ullrich congenital muscular dystrophy 2 (UCMD2). Identifiers: Orphanet 75840, MedGen C4225314, MONDO:0014654, OMIM 616470.
Bethlem myopathy 2 (BTHLM2). Identifiers: Orphanet 536516, Orphanet 610, MedGen C4225313, MONDO:0034022, OMIM 616471.

Allele frequency attached by ClinVar (database versions not stated): gnomAD 0.00001; gnomAD exomes 0.00001.
gnomAD v4.1: 8 of 1,613,902 alleles (0.0005%); highest among the groups gnomAD compares: Non-Finnish European, 0.00059%; no homozygotes.

Submissions (2):

Women's Health and Genetics/Laboratory Corporation of America, LabCorp
Classification: Uncertain significance. Last evaluated: 2024-12-11. Review status: criteria provided, single submitter. Criteria: LabCorp Variant Classification Summary - May 2015. Collection method: clinical testing. Allele origin: germline.
Comment: Variant summary: COL12A1 c.6108A>C (p.Glu2036Asp) results in a conservative amino acid change located in the Fibronectin type-III domain (IPR003961) of the encoded protein sequence. Four of five in-silico tools predict a benign effect of the variant on protein function. The variant allele was found at a frequency of 4e-06 in 249202 control chromosomes. The available data on variant occurrences in the general population are insufficient to allow any conclusion about variant significance. To our knowledge, no occurrence of c.6108A>C in individuals affected with Ullrich congenital muscular dystrophy 2 and no experimental evidence demonstrating its impact on protein function have been reported. ClinVar contains an entry for this variant (Variation ID: 2931613). Based on the evidence outlined above, the variant was classified as uncertain significance.

Labcorp Genetics (formerly Invitae), Labcorp
Classification: Uncertain significance for Bethlem myopathy 2; Ullrich congenital muscular dystrophy 2. Last evaluated: 2023-02-24. Review status: criteria provided, single submitter. Criteria: Invitae Variant Classification Sherloc (09022015). Collection method: clinical testing. Allele origin: germline.
Comment: In summary, the available evidence is currently insufficient to determine the role of this variant in disease. Therefore, it has been classified as a Variant of Uncertain Significance. Advanced modeling of protein sequence and biophysical properties (such as structural, functional, and spatial information, amino acid conservation, physicochemical variation, residue mobility, and thermodynamic stability) performed at Invitae indicates that this missense variant is not expected to disrupt COL12A1 protein function. This variant has not been reported in the literature in individuals affected with COL12A1-related conditions. This variant is present in population databases (no rsID available, gnomAD 0.002%). This sequence change replaces glutamic acid, which is acidic and polar, with aspartic acid, which is acidic and polar, at codon 2036 of the COL12A1 protein (p.Glu2036Asp).